The following is an entry in ClinVar:

ClinVar aggregate classification (germline): Likely pathogenic (1 of 4 stars; one submission).

Conditions:
CFAP65-related disorder. Also called: CFAP65-related condition.

Allele frequency attached by ClinVar (database versions not stated): ExAC 0.00001; gnomAD exomes 0.00001.

Submission:

PreventionGenetics, part of Exact Sciences
Classification: Likely pathogenic for CFAP65-related condition. Last evaluated: 2023-07-12. Review status: criteria provided, single submitter. Criteria: ACMG Guidelines, 2015. Collection method: clinical testing. Allele origin: germline.
Comment: The CFAP65 c.3603G>A variant is predicted to result in premature protein termination (p.Trp1201*). To our knowledge, this variant has not been reported in the literature. This variant is reported in 0.0034% of alleles in individuals of South Asian descent in gnomAD. Nonsense variants in CFAP65 are expected to be pathogenic. This variant is interpreted as likely pathogenic.

NM_194302.4(CFAP65):c.3603G>A (p.Trp1201Ter)

Genes: CFAP65 (cilia and flagella associated protein 65; minus strand), CFAP65-AS1 (CFAP65 antisense RNA 1; plus strand). Cytogenetic location: 2q35.
Variant type: single nucleotide variant.
Coding change: c.3603G>A on transcript NM_194302.4 (MANE Select); coding-DNA position 3603, G replaced by A.
Protein change: p.Trp1201Ter; replaces tryptophan 1201 with a stop codon.
Molecular consequence: nonsense. On other transcripts: non-coding transcript variant (1).
Genome position (GRCh38, 1-based): chr2:219,014,044, C>T on the plus strand (G>A on the coding strand, the complement: CFAP65 is on the minus strand). VCF-style: chr2-219014044-C-T. GRCh37 (hg19) VCF-style: chr2-219878766-C-T.
Other names: short protein forms W1201*.
Identifiers: ClinVar variation 2629507 (VCV002629507.1), dbSNP rs765822469, ClinGen allele CA2115230.